The following is an entry in ClinVar:

ClinVar aggregate classification (germline): Uncertain significance (1 of 4 stars; one submission).

Submission:

GeneDx
Classification: Uncertain significance. Last evaluated: 2025-10-30. Review status: criteria provided, single submitter. Criteria: GeneDx Variant Classification Process June 2021. Collection method: clinical testing. Allele origin: germline. Affected: yes.
Comment: Not observed at significant frequency in large population cohorts (gnomAD); In silico analysis suggests that this missense variant does not alter protein structure/function; Has not been previously published as pathogenic or benign to our knowledge

NM_003221.4(TFAP2B):c.408C>A (p.Asp136Glu)

Gene: TFAP2B (transcription factor AP-2 beta; plus strand). Cytogenetic location: 6p12.3.
Variant type: single nucleotide variant.
Coding change: c.408C>A on transcript NM_003221.4 (MANE Select); coding-DNA position 408, C replaced by A.
Protein change: p.Asp136Glu; replaces aspartic acid 136 with glutamic acid.
Molecular consequence: missense variant.
Genome position (GRCh38, 1-based): chr6:50,823,733, C>A. VCF-style: chr6-50823733-C-A. GRCh37 (hg19) VCF-style: chr6-50791446-C-A.
Other names: short protein forms D136E.
Identifiers: ClinVar variation 2442627 (VCV002442627.2), dbSNP rs921963085, ClinGen allele CA364412887.
Genomic context (GRCh38, chr6:50,823,733, plus strand): 5'-GGAAGCCGGCTCTCTCCTGCCCCAGCCTCGGGCCGCCTTGCCCCAGCTCTCGGGCCTTGA[C>A]CCCCGGAGGGACTACCACTCGGTCCGCCGGCCGGACGTGCTGCTGCATTCGGCGCACCAC-3'
Protein context (NP_003212.2, residues 126-146): RAALPQLSGL[Asp136Glu]PRRDYHSVRR